The following is an entry in ClinVar:

NM_000271.5(NPC1):c.403A>C (p.Asn135His)

Gene: NPC1 (NPC intracellular cholesterol transporter 1; minus strand). Cytogenetic location: 18q11.2.
Variant type: single nucleotide variant.
Coding change: c.403A>C on transcript NM_000271.5 (MANE Select); coding-DNA position 403, A replaced by C.
Protein change: p.Asn135His; replaces asparagine 135 with histidine.
Molecular consequence: missense variant.
Genome position (GRCh38, 1-based): chr18:23,568,883, T>G on the plus strand (A>C on the coding strand, the complement: NPC1 is on the minus strand). VCF-style: chr18-23568883-T-G. GRCh37 (hg19) VCF-style: chr18-21148847-T-G.
Other names: short protein forms N135H.
Identifiers: ClinVar variation 2754911 (VCV002754911.3), dbSNP rs2511340992, ClinGen allele CA401785139.

ClinVar aggregate classification (germline): Uncertain significance (1 of 4 stars; one submission).

Conditions:
Niemann-Pick disease, type C1. Also called: NEUROVISCERAL STORAGE DISEASE WITH VERTICAL SUPRANUCLEAR OPHTHALMOPLEGIA; NIEMANN-PICK DISEASE WITH CHOLESTEROL ESTERIFICATION BLOCK; NIEMANN-PICK DISEASE WITHOUT SPHINGOMYELINASE DEFICIENCY; NIEMANN-PICK DISEASE, CHRONIC NEURONOPATHIC FORM; NIEMANN-PICK DISEASE, VARIANT TYPE C1. Identifiers: Orphanet 646, MedGen C3179455, MONDO:0009757, OMIM 257220.

Submission:

Labcorp Genetics (formerly Invitae), Labcorp
Classification: Uncertain significance for Niemann-Pick disease, type C1. Last evaluated: 2023-09-06. Review status: criteria provided, single submitter. Criteria: Invitae Variant Classification Sherloc (09022015). Collection method: clinical testing. Allele origin: germline.
Comment: This variant has not been reported in the literature in individuals affected with NPC1-related conditions. In summary, the available evidence is currently insufficient to determine the role of this variant in disease. Therefore, it has been classified as a Variant of Uncertain Significance. Advanced modeling of protein sequence and biophysical properties (such as structural, functional, and spatial information, amino acid conservation, physicochemical variation, residue mobility, and thermodynamic stability) performed at Invitae indicates that this missense variant is not expected to disrupt NPC1 protein function. This variant is not present in population databases (gnomAD no frequency). This sequence change replaces asparagine, which is neutral and polar, with histidine, which is basic and polar, at codon 135 of the NPC1 protein (p.Asn135His).